The following is an entry in ClinVar:

ClinVar aggregate classification (germline): Benign. Review status: criteria provided, multiple submitters, no conflicts (2 of 4 stars). 6 submissions from 6 submitters: Benign (6). Last evaluated 2026-02-04.

Conditions:
Lethal osteosclerotic bone dysplasia (RNS). Also called: Osteomalacia, sclerosing, with cerebral calcification. Identifiers: Orphanet 1832, MedGen C1850106, MONDO:0009821, OMIM 259775.

Allele frequency attached by ClinVar (database versions not stated): gnomAD exomes 0.43843 and 0.45247; ExAC 0.47353; TOPMed 0.51729; ESP Exome Variant Server 0.51818; gnomAD 0.52429 and 0.52970; 1000 Genomes Project 0.53115; 1000 Genomes Project 30x 0.53264.
gnomAD v4.1: 706,715 of 1,535,618 alleles (46%); highest among the groups gnomAD compares: African/African-American, 70%; 166,710 homozygotes.

Submissions (6):

Labcorp Genetics (formerly Invitae), Labcorp
Classification: Benign. Last evaluated: 2026-02-04. Review status: criteria provided, single submitter. Criteria: Invitae Variant Classification Sherloc (09022015). Collection method: clinical testing. Allele origin: germline.

Blueprint Genetics
Classification: Benign. Last evaluated: 2024-11-27. Review status: criteria provided, single submitter. Criteria: ACMG Guidelines, 2015. Collection method: clinical testing. Allele origin: germline.

Genome-Nilou Lab
Classification: Benign for Lethal osteosclerotic bone dysplasia. Last evaluated: 2021-07-14. Review status: criteria provided, single submitter. Criteria: ACMG Guidelines, 2015. Collection method: clinical testing. Allele origin: germline. Affected: no.

GeneDx
Classification: Benign. Last evaluated: 2018-11-11. Review status: criteria provided, single submitter. Criteria: GeneDx Variant Classification Process June 2021. Collection method: clinical testing. Allele origin: germline. Affected: yes.

Laboratory for Molecular Medicine, Mass General Brigham Personalized Medicine
Classification: Benign. Last evaluated: 2016-03-21. Review status: criteria provided, single submitter. Criteria: LMM Criteria. Collection method: clinical testing. Allele origin: germline. Observed: 1 variant allele.
Comment: p.Val553Val in exon 10 of FAM20C: This variant is not expected to have clinical significance because it does not alter an amino acid residue, is not located wit hin the splice consensus sequence, and has been identified in 75.19% (994/1322) of African chromosomes by the 1000 Genomes Project (Phase 3; dbSNP rs36170987).

Eurofins Ntd Llc (ga)
Classification: Benign. Last evaluated: 2014-10-20. Review status: criteria provided, single submitter. Criteria: EGL Classification Definitions 2015. Collection method: clinical testing. Allele origin: germline. Observed: 1 variant allele, 1 heterozygote.

NM_020223.4(FAM20C):c.1659G>T (p.Val553=)

Gene: FAM20C (FAM20C golgi associated secretory pathway kinase; plus strand). Cytogenetic location: 7p22.3.
Variant type: single nucleotide variant.
Coding change: c.1659G>T on transcript NM_020223.4 (MANE Select); coding-DNA position 1659, G replaced by T.
Protein change: p.Val553=; no amino-acid change (valine 553 retained).
Molecular consequence: synonymous variant.
Genome position (GRCh38, 1-based): chr7:259,884, G>T. VCF-style: chr7-259884-G-T. GRCh37 (hg19) VCF-style: chr7-299850-G-T.
Identifiers: ClinVar variation 193730 (VCV000193730.21), dbSNP rs36170987, ClinGen allele CA200754.
Genomic context (GRCh38, chr7:259,884, plus strand): 5'-GGTGGCACCCGTGCTGTACCAGCCGCACCTGGAGGCCCTGGACCGGCGGCTCCGCGTCGT[G>T]CTAAAGGCCGTCCGGGACTGCGTGGAGAGGAACGGGCTCCACAGCGTGGTGGATGACGAC-3'
Protein context (NP_064608.2, residues 543-563): LEALDRRLRV[Val553=]LKAVRDCVER